The following is an entry in ClinVar:

NM_014844.5(TECPR2):c.1327A>G (p.Arg443Gly)

Gene: TECPR2 (tectonin beta-propeller repeat containing 2; plus strand). Cytogenetic location: 14q32.31.
Variant type: single nucleotide variant.
Coding change: c.1327A>G on transcript NM_014844.5 (MANE Select); coding-DNA position 1327, A replaced by G.
Protein change: p.Arg443Gly; replaces arginine 443 with glycine.
Molecular consequence: missense variant.
Genome position (GRCh38, 1-based): chr14:102,432,038, A>G. VCF-style: chr14-102432038-A-G. GRCh37 (hg19) VCF-style: chr14-102898375-A-G.
Other names: c.1327A>G, p.Arg443Gly (NM_001172631.3); short protein forms R443G.
Identifiers: ClinVar variation 972970 (VCV000972970.4), dbSNP rs199977652, ClinGen allele CA7357697.

ClinVar aggregate classification (germline): Uncertain significance (1 of 4 stars; one submission).

Conditions:
Hereditary spastic paraplegia 49 (HSAN9). Also called: Spastic paraplegia 49, autosomal recessive; NEUROPATHY, HEREDITARY SENSORY AND AUTONOMIC, TYPE IX, WITH DEVELOPMENTAL DELAY; TECPR2-Related Hereditary Sensory and Autonomic Neuropathy with Intellectual Disability. Identifiers: Orphanet 320385, MedGen C5190860, MONDO:0014016, OMIM 615031.

Allele frequency attached by ClinVar (database versions not stated): ExAC 0.00001; gnomAD exomes 0.00001 and 0.00005; gnomAD 0.00003 and 0.00004; TOPMed 0.00003.
gnomAD v4.1: 74 of 1,612,860 alleles (0.0046%); highest among the groups gnomAD compares: Non-Finnish European, 0.0059%; no homozygotes.

Submission:

Labcorp Genetics (formerly Invitae), Labcorp
Classification: Uncertain significance for Hereditary spastic paraplegia 49. Last evaluated: 2021-09-17. Review status: criteria provided, single submitter. Criteria: Invitae Variant Classification Sherloc (09022015). Collection method: clinical testing. Allele origin: germline.
Comment: This sequence change replaces arginine with glycine at codon 443 of the TECPR2 protein (p.Arg443Gly). The arginine residue is moderately conserved and there is a moderate physicochemical difference between arginine and glycine. This variant is present in population databases (rs199977652, ExAC 0.002%). This variant has not been reported in the literature in individuals with TECPR2-related conditions. Algorithms developed to predict the effect of missense changes on protein structure and function are either unavailable or do not agree on the potential impact of this missense change (SIFT: "Tolerated"; PolyPhen-2: "Probably Damaging"; Align-GVGD: "Class C0"). In summary, the available evidence is currently insufficient to determine the role of this variant in disease. Therefore, it has been classified as a Variant of Uncertain Significance.